The following is an entry in ClinVar:

ClinVar aggregate classification (germline): Likely pathogenic (1 of 4 stars; one submission).

Conditions:
Dilated cardiomyopathy 1G (CMD1G). Identifiers: Orphanet 154, MedGen C1858763, MONDO:0011400, OMIM 604145.
Autosomal recessive limb-girdle muscular dystrophy type 2J (LGMDR10). Also called: Limb-girdle muscular dystrophy, type 2J; MUSCULAR DYSTROPHY, LIMB-GIRDLE, AUTOSOMAL RECESSIVE 10. Identifiers: Orphanet 140922, MedGen C1837342, MONDO:0012127, OMIM 608807.

Submission:

Labcorp Genetics (formerly Invitae), Labcorp
Classification: Likely pathogenic for Dilated cardiomyopathy 1G; Autosomal recessive limb-girdle muscular dystrophy type 2J. Last evaluated: 2024-03-12. Review status: criteria provided, single submitter. Criteria: Invitae Variant Classification Sherloc (09022015). Collection method: clinical testing. Allele origin: germline.
Comment: This sequence change creates a premature translational stop signal (p.Glu35081Lysfs*2) in the TTN gene. While this is not anticipated to result in nonsense mediated decay, it is expected to create a truncated TTN protein. This variant is not present in population databases (gnomAD no frequency). This variant has not been reported in the literature in individuals affected with TTN-related conditions. This variant is located in the M band of TTN (PMID: 25589632). Truncating variants in this region have been previously reported in individuals affected with autosomal recessive myopathy and muscular dystrophy (PMID: 18948003, 23975875, 24395473). Truncating variants in this region have also been identified in individuals affected with autosomal dominant dilated cardiomyopathy and/or cardio-related conditions (PMID: 27869827, 32964742, Invitae internal data). In summary, the currently available evidence indicates that the variant is pathogenic, but additional data are needed to prove that conclusively. Therefore, this variant has been classified as Likely Pathogenic.

Literature cited by the submitters: PubMed 25589632; PubMed 18948003; PubMed 23975875; PubMed 24395473; PubMed 27869827; PubMed 32964742.

NM_001267550.2(TTN):c.105241del (p.Glu35081fs)

Genes: TTN-AS1 (TTN antisense RNA 1; plus strand), TTN (titin; minus strand). Cytogenetic location: 2q31.2.
Variant type: Deletion.
Coding change: c.105241del on transcript NM_001267550.2 (MANE Select); coding-DNA position 105241, one base deleted (G; older notation c.105241delG).
Protein change: p.Glu35081fs; shifts the reading frame from glutamic acid 35081.
Molecular consequence: frameshift variant.
Genome position (GRCh38, 1-based): chr2:178,531,374, C deleted on the plus strand (G on the coding strand, the reverse complement: TTN is on the minus strand); the first of 3 consecutive C bases (chr2:178,531,374-178,531,376); deleting any one gives the same sequence. VCF-style (leftmost placement, unchanged base first): chr2-178531373-TC-T. GRCh37 (hg19) VCF-style: chr2-179396100-TC-T.
Other names: c.100318del, p.Glu33440fs (NM_001256850.1); c.78046del, p.Glu26016fs (NM_003319.4); c.97537del, p.Glu32513fs (NM_133378.4); c.78421del, p.Glu26141fs (NM_133432.3); c.78622del, p.Glu26208fs (NM_133437.4); short protein forms E26016fs, E35081fs, E26208fs, E32513fs, E26141fs, E33440fs.
Identifiers: ClinVar variation 2949753 (VCV002949753.3), dbSNP rs2468407057, ClinGen allele CA2740095954.